The following is an entry in ClinVar:

ClinVar aggregate classification (germline): Pathogenic (1 of 4 stars; one submission).

Conditions:
Deficiency of alpha-mannosidase (MANSA). Also called: LYSOSOMAL ALPHA-D-MANNOSIDASE DEFICIENCY; Alpha-Mannosidosis; Mannosidosis, alpha-, types I and II. Identifiers: Orphanet 61, MedGen C0024748, MONDO:0009561, OMIM 248500.

Submission:

Myriad Genetics, Inc.
Classification: Pathogenic for Deficiency of alpha-mannosidase. Last evaluated: 2024-03-21. Review status: criteria provided, single submitter. Criteria: Myriad Autosomal Dominant, Autosomal Recessive and X-Linked Classification Criteria (2023). Collection method: clinical testing. Allele origin: unknown.
Comment: NM_000528.3(MAN2B1):c.831_832dupGC(L278Rfs*21) is expected to be pathogenic in the context of alpha-mannosidosis. This variant is predicted to lead to an abnormal or absent protein product due to the creation of a premature termination codon in MAN2B1, a gene where loss-of-function variants are known to be pathogenic. Please note: this variant was assessed in the context of healthy population screening.

NM_000528.4(MAN2B1):c.831_832dup (p.Leu278fs)

Gene: MAN2B1 (mannosidase alpha class 2B member 1; minus strand). Cytogenetic location: 19p13.13.
Variant type: Duplication.
Coding change: c.831_832dup on transcript NM_000528.4 (MANE Select); coding-DNA positions 831 to 832, 2 bases duplicated (GC; older notation c.831_832dupGC).
Protein change: p.Leu278fs; shifts the reading frame from leucine 278.
Molecular consequence: frameshift variant.
Genome position (GRCh38, 1-based): chr19:12,663,394-12,663,395, GC duplicated on the plus strand (GC on the coding strand, the reverse complement: MAN2B1 is on the minus strand); duplicating any 2 consecutive bases within chr19:12,663,394-12,663,396 gives the same sequence; the c. name uses the placement nearest the transcript's 3' end. VCF-style (leftmost placement, unchanged base first): chr19-12663393-A-AGC. GRCh37 (hg19) VCF-style: chr19-12774207-A-AGC.
Other names: c.831_832dup, p.Leu278fs (NM_001173498.2, NM_001440570.1); short protein forms L278fs.
Identifiers: ClinVar variation 5012841 (VCV005012841.1).
Genomic context (GRCh38, chr19:12,663,393, plus strand): 5'-TTTAGGAAGTAATCGACCAGCTCCTTGGCGTTGTACTCGGGGCTGCGAGGGTCCTCCACC[A>AGC]GCGGCTGATCGACACACAGCACATCCCAGCACAGATTCCTTGGCGGGTTGTAACCATTGG-3'